The following is an entry in ClinVar:

ClinVar aggregate classification (germline): Uncertain significance (1 of 4 stars; one submission).

Conditions:
Treacher Collins syndrome 1 (TCS1). Also called: TCOF1-Related Treacher Collins Syndrome. Identifiers: Orphanet 861, MedGen CN315775, MONDO:0007944, OMIM 154500.

Submission:

Labcorp Genetics (formerly Invitae), Labcorp
Classification: Uncertain significance for Treacher Collins syndrome 1. Last evaluated: 2023-02-14. Review status: criteria provided, single submitter. Criteria: Invitae Variant Classification Sherloc (09022015). Collection method: clinical testing. Allele origin: germline.
Comment: This variant, c.4434_4436del, results in the deletion of 1 amino acid(s) of the TCOF1 protein (p.Lys1482del), but otherwise preserves the integrity of the reading frame. This variant is not present in population databases (gnomAD no frequency). This variant has not been reported in the literature in individuals affected with TCOF1-related conditions. Experimental studies and prediction algorithms are not available or were not evaluated, and the functional significance of this variant is currently unknown. In summary, the available evidence is currently insufficient to determine the role of this variant in disease. Therefore, it has been classified as a Variant of Uncertain Significance.

NM_001371623.1(TCOF1):c.4434GAA[1] (p.Lys1483del)

Gene: TCOF1 (treacle ribosome biogenesis factor 1; plus strand). Cytogenetic location: 5q32.
Variant type: Microsatellite.
Coding change: c.4434GAA[1] on transcript NM_001371623.1 (MANE Select); one copy of the 3-base unit GAA starting at c.4434; the reference has two copies in a row; one copy, 3 bases deleted.
Protein change: p.Lys1483del; deletes lysine 1483.
Molecular consequence: inframe deletion.
Genome position (GRCh38, 1-based): chr5:150,398,445-150,398,447, GAA deleted; deleting any 3 consecutive bases within chr5:150,398,440-150,398,447 gives the same sequence; the position shown is the placement nearest the transcript's 3' end. VCF-style (leftmost placement, unchanged base first): chr5-150398439-AAAG-A. GRCh37 (hg19) VCF-style: chr5-149778002-AAAG-A.
Other names: c.4200GAA[1], p.Lys1405del (NM_000356.4); c.4431GAA[1], p.Lys1482del (NM_001135243.2); c.4320GAA[1], p.Lys1445del (NM_001135244.2); c.4203GAA[1], p.Lys1406del (NM_001135245.2); c.4317GAA[1], p.Lys1444del (NM_001195141.2); short protein forms K1406del, K1444del, K1405del, K1482del, K1445del, K1483del.
Identifiers: ClinVar variation 2728946 (VCV002728946.3), dbSNP rs1297980428, ClinGen allele CA805587619.